The following is an entry in ClinVar:

ClinVar aggregate classification (germline): Likely benign. Review status: criteria provided, single submitter (1 of 4 stars). 2 submissions from 1 submitter: Likely benign (2). Last evaluated 2018-01-13.

Conditions:
Susceptibility to mononeuropathy of the median nerve, mild. Also called: CARPAL TUNNEL SYNDROME, SUSCEPTIBILITY TO. Identifiers: MedGen C3150596, MONDO:0013237, OMIM 613353.
Charcot-Marie-Tooth disease type 4C (CMT4C). Also called: CHARCOT-MARIE-TOOTH DISEASE, DEMYELINATING, TYPE 4C; SH3TC2-Related Hereditary Motor and Sensory Neuropathy; Charcot-Marie-Tooth Neuropathy Type 4C (CMT4C); CHARCOT-MARIE-TOOTH DISEASE, DEMYELINATING, AUTOSOMAL RECESSIVE, TYPE 4C; CMT 4C. Identifiers: Orphanet 99949, MedGen C1866636, MONDO:0011113, OMIM 601596.

Allele frequency attached by ClinVar (database versions not stated): 1000 Genomes Project 0.00319; 1000 Genomes Project 30x 0.00328; TOPMed 0.00500; gnomAD 0.00681 and 0.00707.
gnomAD v4.1: 1,032 of 152,304 alleles (0.68%); highest among the groups gnomAD compares: Non-Finnish European, 0.82%; 7 homozygotes.

Submissions (2):

Illumina Laboratory Services, Illumina
Classification: Likely benign for Susceptibility to mononeuropathy of the median nerve, mild. Last evaluated: 2018-01-13. Review status: criteria provided, single submitter. Criteria: ICSL Variant Classification Criteria 13 December 2019. Collection method: clinical testing. Allele origin: germline.
Comment: This variant was observed in the ICSL laboratory as part of a predisposition screen in an ostensibly healthy population. It had not been previously curated by ICSL or reported in the Human Gene Mutation Database (HGMD: prior to June 1st, 2018), and was therefore a candidate for classification through an automated scoring system. Utilizing variant allele frequency, disease prevalence and penetrance estimates, and inheritance mode, an automated score was calculated to assess if this variant is too frequent to cause the disease. Based on the score and internal cut-off values, a variant classified as likely benign is not then subjected to further curation. The score for this variant resulted in a classification of likely benign for this disease.

Illumina Laboratory Services, Illumina
Classification: Likely benign for Charcot-Marie-Tooth disease type 4C. Last evaluated: 2018-01-13. Review status: criteria provided, single submitter. Criteria: ICSL Variant Classification Criteria 13 December 2019. Collection method: clinical testing. Allele origin: germline.
Comment: the same text as in the submission from Illumina Laboratory Services, Illumina above.

NM_024577.4(SH3TC2):c.*4052T>C

Gene: SH3TC2 (SH3 domain and tetratricopeptide repeats 2; minus strand). Cytogenetic location: 5q32.
Variant type: single nucleotide variant.
Coding change: c.*4052T>C on transcript NM_024577.4 (MANE Select); 4052 bases downstream of the stop codon, T replaced by C.
Molecular consequence: 3 prime UTR variant.
Genome position (GRCh38, 1-based): chr5:149,000,659, A>G on the plus strand (T>C on the coding strand, the complement: SH3TC2 is on the minus strand). VCF-style: chr5-149000659-A-G. GRCh37 (hg19) VCF-style: chr5-148380222-A-G.
Identifiers: ClinVar variation 904759 (VCV000904759.4), dbSNP rs147125913, ClinGen allele CA128992137.